The following is an entry in ClinVar:

ClinVar aggregate classification (germline): Uncertain significance. Review status: criteria provided, multiple submitters, no conflicts (2 of 4 stars). 2 submissions from 2 submitters: Uncertain significance (2). Last evaluated 2022-03-19.

Conditions:
Microcephaly 3, primary, autosomal recessive. Identifiers: Orphanet 2512, MedGen C1858108, MONDO:0011488, OMIM 604804.

Submissions (2):

Labcorp Genetics (formerly Invitae), Labcorp
Classification: Uncertain significance. Last evaluated: 2022-03-19. Review status: criteria provided, single submitter. Criteria: Invitae Variant Classification Sherloc (09022015). Collection method: clinical testing. Allele origin: germline.
Comment: This variant has not been reported in the literature in individuals affected with CDK5RAP2-related conditions. This sequence change replaces glutamic acid, which is acidic and polar, with leucine, which is neutral and non-polar, at codon 552 of the CDK5RAP2 protein (p.Glu552Leu). This variant is present in population databases (no rsID available, gnomAD 0.3%). Algorithms developed to predict the effect of missense changes on protein structure and function are either unavailable or do not agree on the potential impact of this missense change (SIFT: "Not Available"; PolyPhen-2: "Probably Damaging"; Align-GVGD: "Not Available"). In summary, the available evidence is currently insufficient to determine the role of this variant in disease. Therefore, it has been classified as a Variant of Uncertain Significance.

Laboratorio de Genetica e Diagnostico Molecular, Hospital Israelita Albert Einstein
Classification: Uncertain significance for Microcephaly 3, primary, autosomal recessive. Last evaluated: 2021-06-15. Review status: criteria provided, single submitter. Criteria: ACMG Guidelines, 2015. Collection method: clinical testing. Allele origin: germline. Affected: yes.
Comment: ACMG classification criteria: PM2 moderate

NM_018249.6(CDK5RAP2):c.1654_1655delinsTT (p.Glu552Leu)

Gene: CDK5RAP2 (CDK5 regulatory subunit associated protein 2; minus strand). Cytogenetic location: 9q33.2.
Variant type: Indel.
Coding change: c.1654_1655delinsTT on transcript NM_018249.6 (MANE Select); coding-DNA positions 1654 to 1655, GA replaced by TT.
Protein change: p.Glu552Leu; replaces glutamic acid 552 with leucine.
Molecular consequence: missense variant. On other transcripts: non-coding transcript variant (5).
Genome position (GRCh38, 1-based): chr9:120,477,422-120,477,423, TC replaced by AA on the plus strand (GA replaced by TT on the coding strand, the reverse complement: CDK5RAP2 is on the minus strand). VCF-style: chr9-120477422-TC-AA. GRCh37 (hg19) VCF-style: chr9-123239700-TC-AA.
Other names: c.1654_1655delinsTT, p.Glu552Leu (NM_001011649.3, NM_001272039.2); short protein forms E552L.
Identifiers: ClinVar variation 1683696 (VCV001683696.7), dbSNP rs2131564281, ClinGen allele CA2573143778.